The following is an entry in ClinVar:

ClinVar aggregate classification (germline): Likely pathogenic (1 of 4 stars; one submission).

Conditions:
Autosomal recessive polycystic kidney disease (ARPKD). Also called: AR polycystic kidney disease. Identifiers: Orphanet 731, Orphanet 8378, MedGen C0085548, MeSH D017044, MONDO:0009889.

Submission:

Labcorp Genetics (formerly Invitae), Labcorp
Classification: Likely pathogenic for Autosomal recessive polycystic kidney disease. Last evaluated: 2022-06-22. Review status: criteria provided, single submitter. Criteria: Invitae Variant Classification Sherloc (09022015). Collection method: clinical testing. Allele origin: germline.
Comment: In summary, the currently available evidence indicates that the variant is pathogenic, but additional data are needed to prove that conclusively. Therefore, this variant has been classified as Likely Pathogenic. This variant has not been reported in the literature in individuals affected with PKHD1-related conditions. This variant results in a copy number gain of the genomic region encompassing exon(s) 42-45 of the PKHD1 gene. While the exact position of this variant cannot be determined from the data, sub-genic copy number gains are generally in tandem (PMID: 25640679). This variant is predicted to be out-of-frame, and may result in an absent or disrupted protein product. Loss-of-function variants in PKHD1 are known to be pathogenic (PMID: 19940839).

Literature cited by the submitters: PubMed 25640679; PubMed 19940839.

NC_000006.11:g.(?_51750655)_(51768850_?)dup

Gene: PKHD1 (PKHD1 ciliary IPT domain containing fibrocystin/polyductin; minus strand). Cytogenetic location: 6p12.3.
Variant type: Duplication.
Identifiers: ClinVar variation 2427259 (VCV002427259.5).